The following is an entry in ClinVar:

NM_001199107.2(TBC1D24):c.*4278C>G

Gene: TBC1D24 (TBC1 domain family member 24; plus strand). Cytogenetic location: 16p13.3.
Variant type: single nucleotide variant.
Coding change: c.*4278C>G on transcript NM_001199107.2 (MANE Select); 4278 bases downstream of the stop codon, C replaced by G.
Molecular consequence: 3 prime UTR variant.
Genome position (GRCh38, 1-based): chr16:2,505,236, C>G. VCF-style: chr16-2505236-C-G. GRCh37 (hg19) VCF-style: chr16-2555237-C-G.
Other names: c.*4278C>G (NM_020705.3).
Identifiers: ClinVar variation 885647 (VCV000885647.4), dbSNP rs74462094, ClinGen allele CA276810798.

ClinVar aggregate classification (germline): Likely benign (1 of 4 stars; one submission).

Conditions:
Familial infantile myoclonic epilepsy (FIME). Also called: TBC1D24-Related Familial Infantile Myoclonic Epilepsy (FIME); Epilepsy, Myoclonic, Infantile. Identifiers: Orphanet 352582, MedGen C0917800, MONDO:0011506, OMIM 605021.

Allele frequency attached by ClinVar (database versions not stated): TOPMed 0.00741; gnomAD 0.00822 and 0.00786; 1000 Genomes Project 0.00419; 1000 Genomes Project 30x 0.00437.

Submission:

Illumina Laboratory Services, Illumina
Classification: Likely benign for Familial infantile myoclonic epilepsy. Last evaluated: 2018-01-12. Review status: criteria provided, single submitter. Criteria: ICSL Variant Classification Criteria 13 December 2019. Collection method: clinical testing. Allele origin: germline.
Comment: This variant was observed in the ICSL laboratory as part of a predisposition screen in an ostensibly healthy population. It had not been previously curated by ICSL or reported in the Human Gene Mutation Database (HGMD: prior to June 1st, 2018), and was therefore a candidate for classification through an automated scoring system. Utilizing variant allele frequency, disease prevalence and penetrance estimates, and inheritance mode, an automated score was calculated to assess if this variant is too frequent to cause the disease. Based on the score and internal cut-off values, a variant classified as likely benign is not then subjected to further curation. The score for this variant resulted in a classification of likely benign for this disease.